The following is an entry in ClinVar:

ClinVar aggregate classification (germline): Uncertain significance (1 of 4 stars; one submission).

Conditions:
Cardiac malformation, cleft lip/palate, microcephaly, and digital anomalies. Also called: CLEFT PALATE, CARDIAC DEFECTS, AND IMPAIRED INTELLECTUAL DEVELOPMENT. Identifiers: MedGen C1832950, MONDO:0010970, OMIM 600987.

Submission:

Labcorp Genetics (formerly Invitae), Labcorp
Classification: Uncertain significance for Cardiac malformation, cleft lip/palate, microcephaly, and digital anomalies. Last evaluated: 2025-04-14. Review status: criteria provided, single submitter. Criteria: Invitae Variant Classification Sherloc (09022015). Collection method: clinical testing. Allele origin: germline.
Comment: This sequence change replaces alanine, which is neutral and non-polar, with serine, which is neutral and polar, at codon 90 of the MEIS2 protein (p.Ala90Ser). The frequency data for this variant in the population databases is considered unreliable, as metrics indicate poor data quality at this position in the gnomAD database. This variant has not been reported in the literature in individuals affected with MEIS2-related conditions. Invitae Evidence Modeling of protein sequence and biophysical properties (such as structural, functional, and spatial information, amino acid conservation, physicochemical variation, residue mobility, and thermodynamic stability) indicates that this missense variant is not expected to disrupt MEIS2 protein function with a negative predictive value of 80%. In summary, the available evidence is currently insufficient to determine the role of this variant in disease. Therefore, it has been classified as a Variant of Uncertain Significance.

NM_170675.5(MEIS2):c.268G>T (p.Ala90Ser)

Gene: MEIS2 (Meis homeobox 2; minus strand). Cytogenetic location: 15q14.
Variant type: single nucleotide variant.
Coding change: c.268G>T on transcript NM_170675.5 (MANE Select); coding-DNA position 268, G replaced by T.
Protein change: p.Ala90Ser; replaces alanine 90 with serine.
Molecular consequence: missense variant. On other transcripts: non-coding transcript variant (1), splice acceptor variant (1).
Genome position (GRCh38, 1-based): chr15:37,096,408, C>A on the plus strand (G>T on the coding strand, the complement: MEIS2 is on the minus strand). VCF-style: chr15-37096408-C-A. GRCh37 (hg19) VCF-style: chr15-37388609-C-A.
Other names: c.268G>T, p.Ala90Ser (NM_001220482.2, NM_170674.5, NM_170676.5 and 1 more transcripts); c.229G>T, p.Ala77Ser (NM_002399.4, NM_172315.3); c.5-1G>T (NM_172316.3); short protein forms A77S, A90S.
Identifiers: ClinVar variation 4700914 (VCV004700914.1).
Genomic context (GRCh38, chr15:37,096,408, plus strand): 5'-CAGCCACTCCAGGTTCCCGGGGAGTGCAGGTCGCCAGCTCGCACTTCTCAAAGACCAGAG[C>A]TAACAGAGGAAACAACGGGTGCCTAACGGGCAGCGCCACGCAGAGACACACACACAGAGA-3'
Protein context (NP_733775.1, residues 80-100): IYGHPLFPLL[Ala90Ser]LVFEKCELAT